The following is an entry in ClinVar:

ClinVar aggregate classification (germline): Uncertain significance (1 of 4 stars; one submission).

Submission:

GeneDx
Classification: Uncertain significance. Last evaluated: 2022-05-31. Review status: criteria provided, single submitter. Criteria: GeneDx Variant Classification Process June 2021. Collection method: clinical testing. Allele origin: germline. Affected: yes.
Comment: Not observed at significant frequency in large population cohorts (gnomAD); In-frame deletion of 1 amino acid in a non-repeat region; In silico analysis supports a deleterious effect on protein structure/function; Has not been previously published as pathogenic or benign to our knowledge

NM_005982.4(SIX1):c.817_819del (p.Gly273del)

Gene: SIX1 (SIX homeobox 1; minus strand). Cytogenetic location: 14q23.1.
Variant type: Deletion.
Coding change: c.817_819del on transcript NM_005982.4 (MANE Select); coding-DNA positions 817 to 819, 3 bases deleted (GGC; older notation c.817_819delGGC).
Protein change: p.Gly273del; deletes glycine 273.
Molecular consequence: inframe deletion.
Genome position (GRCh38, 1-based): chr14:60,646,319-60,646,321, GCC deleted on the plus strand (GGC on the coding strand, the reverse complement: SIX1 is on the minus strand); deleting any 3 consecutive bases within chr14:60,646,319-60,646,322 gives the same sequence; the c. name uses the placement nearest the transcript's 3' end. VCF-style (leftmost placement, unchanged base first): chr14-60646318-GGCC-G. GRCh37 (hg19) VCF-style: chr14-61113036-GGCC-G.
Other names: short protein forms G273del.
Identifiers: ClinVar variation 1802105 (VCV001802105.1), dbSNP rs1894939297, ClinGen allele CA2140898156.